The following is an entry in ClinVar:

ClinVar aggregate classification (germline): Benign/Likely benign. Review status: criteria provided, multiple submitters, no conflicts (2 of 4 stars). 3 submissions from 2 submitters: Benign (2); Likely benign (1). Last evaluated 2021-02-28.

Conditions:
Brachydactyly type B1 (BDB1). Identifiers: Orphanet 572385, Orphanet 93383, MedGen C1862112, MONDO:0007220, OMIM 113000.
Autosomal recessive Robinow syndrome (RRS1). Also called: ROBINOW SYNDROME, AUTOSOMAL RECESSIVE 1; COSTOVERTEBRAL SEGMENTATION DEFECT WITH MESOMELIA; COVESDEM SYNDROME; ROR2-Related Robinow Syndrome. Identifiers: Orphanet 1507, Orphanet 97360, MedGen C5399974, MONDO:0009999, OMIM 268310.

Allele frequency attached by ClinVar (database versions not stated): gnomAD exomes 0.00089; gnomAD 0.00732 and 0.00775; TOPMed 0.00833; 1000 Genomes Project 30x 0.00999; 1000 Genomes Project 0.01038.
gnomAD v4.1: 1,498 of 576,984 alleles (0.26%); highest among the groups gnomAD compares: African/African-American, 2.5%; 16 homozygotes.

Submissions (3):

GeneDx
Classification: Likely benign. Last evaluated: 2021-02-28. Review status: criteria provided, single submitter. Criteria: GeneDx Variant Classification Process June 2021. Collection method: clinical testing. Allele origin: germline. Affected: yes.
Comment: See Variant Classification Assertion Criteria.

Illumina Laboratory Services, Illumina
Classification: Benign for Brachydactyly type B1. Last evaluated: 2018-01-13. Review status: criteria provided, single submitter. Criteria: ICSL Variant Classification Criteria 13 December 2019. Collection method: clinical testing. Allele origin: germline.
Comment: This variant was observed in the ICSL laboratory as part of a predisposition screen in an ostensibly healthy population. It had not been previously curated by ICSL or reported in the Human Gene Mutation Database (HGMD: prior to June 1st, 2018), and was therefore a candidate for classification through an automated scoring system. Utilizing variant allele frequency, disease prevalence and penetrance estimates, and inheritance mode, an automated score was calculated to assess if this variant is too frequent to cause the disease. Based on the score and internal cut-off values, a variant classified as benign is not then subjected to further curation. The score for this variant resulted in a classification of benign for this disease.

Illumina Laboratory Services, Illumina
Classification: Benign for Autosomal recessive Robinow syndrome. Last evaluated: 2018-01-13. Review status: criteria provided, single submitter. Criteria: ICSL Variant Classification Criteria 13 December 2019. Collection method: clinical testing. Allele origin: germline.
Comment: the same text as in the submission from Illumina Laboratory Services, Illumina above.

NM_004560.4(ROR2):c.*245A>G

Gene: ROR2 (receptor tyrosine kinase like orphan receptor 2; minus strand). Cytogenetic location: 9q22.31.
Variant type: single nucleotide variant.
Coding change: c.*245A>G on transcript NM_004560.4 (MANE Select); 245 bases downstream of the stop codon, A replaced by G.
Molecular consequence: 3 prime UTR variant.
Genome position (GRCh38, 1-based): chr9:91,723,417, T>C on the plus strand (A>G on the coding strand, the complement: ROR2 is on the minus strand). VCF-style: chr9-91723417-T-C. GRCh37 (hg19) VCF-style: chr9-94485699-T-C.
Identifiers: ClinVar variation 367490 (VCV000367490.6), dbSNP rs77664658, ClinGen allele CA10634088.